The following is an entry in ClinVar:

ClinVar aggregate classification (germline): Likely benign (0 of 4 stars; one submission).

Conditions:
CAPN10-related disorder. Also called: CAPN10-related condition; CAPN10-related disorders.

Allele frequency attached by ClinVar (database versions not stated): TOPMed 0.00008; gnomAD 0.00011; ESP Exome Variant Server 0.00017; 1000 Genomes Project 0.00020; 1000 Genomes Project 30x 0.00047.

Submission:

PreventionGenetics, part of Exact Sciences
Classification: Likely benign for CAPN10-related condition. Last evaluated: 2019-07-10. Review status: no assertion criteria provided. Collection method: clinical testing. Allele origin: germline.
Comment: This variant is classified as likely benign based on ACMG/AMP sequence variant interpretation guidelines (Richards et al. 2015 PMID: 25741868, with internal and published modifications).

NM_023083.4(CAPN10):c.1533G>A (p.Ala511=)

Gene: CAPN10 (calpain 10; plus strand). Cytogenetic location: 2q37.3.
Variant type: single nucleotide variant.
Coding change: c.1533G>A on transcript NM_023083.4 (MANE Select); coding-DNA position 1533, G replaced by A.
Protein change: p.Ala511=; no amino-acid change (alanine 511 retained).
Molecular consequence: synonymous variant. On other transcripts: intron variant (1).
Genome position (GRCh38, 1-based): chr2:240,596,732, G>A. VCF-style: chr2-240596732-G-A. GRCh37 (hg19) VCF-style: chr2-241536149-G-A.
Other names: c.1279-1156G>A (NM_023085.4).
Identifiers: ClinVar variation 3050082 (VCV003050082.2), dbSNP rs370128354, ClinGen allele CA2205899.